The following is an entry in ClinVar:

ClinVar aggregate classification (germline): Uncertain significance (1 of 4 stars; one submission).

Submission:

Labcorp Genetics (formerly Invitae), Labcorp
Classification: Uncertain significance. Last evaluated: 2024-01-12. Review status: criteria provided, single submitter. Criteria: Invitae Variant Classification Sherloc (09022015). Collection method: clinical testing. Allele origin: unknown.
Comment: This variant results in a copy number gain of the genomic region encompassing exon(s) 1-5 of the TAF1 gene. This region includes the initiator codon of the gene. This copy number gain extends beyond the assayed region for this gene and therefore may encompass additional genes. As the precise location of this event is unknown, it may be in tandem or it may be located elsewhere in the genome. This variant has not been reported in the literature in individuals affected with TAF1-related conditions. Experimental studies and prediction algorithms are not available or were not evaluated, and the functional significance of this variant is currently unknown. In summary, the available evidence is currently insufficient to determine the role of this variant in disease. Therefore, it has been classified as a Variant of Uncertain Significance.

NC_000023.10:g.(?_70586165)_(70597061_?)dup

Gene: TAF1 (TATA-box binding protein associated factor 1; plus strand). Cytogenetic location: Xq13.1.
Variant type: Duplication.
Identifiers: ClinVar variation 3246640 (VCV003246640.1).